The following is an entry in ClinVar:

ClinVar aggregate classification (germline): Benign. Review status: criteria provided, single submitter (1 of 4 stars). 2 submissions from 1 submitter: Benign (2). Last evaluated 2018-01-13.

Conditions:
Arterial calcification, generalized, of infancy, 1 (GACI1). Also called: Idiopathic Infantile Arterial Calcification. Identifiers: Orphanet 51608, MedGen C4551985, MONDO:0008817, OMIM 208000.
Hypophosphatemic rickets, autosomal recessive, 2 (ARHR2). Identifiers: Orphanet 289176, MedGen C2750078, MONDO:0013219, OMIM 613312.

Allele frequency attached by ClinVar (database versions not stated): gnomAD 0.44116 and 0.44164; TOPMed 0.48141; 1000 Genomes Project 0.55371; 1000 Genomes Project 30x 0.56590.

Submissions (2):

Illumina Laboratory Services, Illumina
Classification: Benign for Arterial calcification, generalized, of infancy, 1. Last evaluated: 2018-01-13. Review status: criteria provided, single submitter. Criteria: ICSL Variant Classification Criteria 13 December 2019. Collection method: clinical testing. Allele origin: germline.
Comment: This variant was observed in the ICSL laboratory as part of a predisposition screen in an ostensibly healthy population. It had not been previously curated by ICSL or reported in the Human Gene Mutation Database (HGMD: prior to June 1st, 2018), and was therefore a candidate for classification through an automated scoring system. Utilizing variant allele frequency, disease prevalence and penetrance estimates, and inheritance mode, an automated score was calculated to assess if this variant is too frequent to cause the disease. Based on the score and internal cut-off values, a variant classified as benign is not then subjected to further curation. The score for this variant resulted in a classification of benign for this disease.

Illumina Laboratory Services, Illumina
Classification: Benign for Hypophosphatemic rickets, autosomal recessive, 2. Last evaluated: 2018-01-13. Review status: criteria provided, single submitter. Criteria: ICSL Variant Classification Criteria 13 December 2019. Collection method: clinical testing. Allele origin: germline.
Comment: the same text as in the submission from Illumina Laboratory Services, Illumina above.

NM_006208.3(ENPP1):c.*1157C>T

Gene: ENPP1 (ectonucleotide pyrophosphatase/phosphodiesterase 1; plus strand). Cytogenetic location: 6q23.2.
Variant type: single nucleotide variant.
Coding change: c.*1157C>T on transcript NM_006208.3 (MANE Select); 1157 bases downstream of the stop codon, C replaced by T.
Molecular consequence: 3 prime UTR variant.
Genome position (GRCh38, 1-based): chr6:131,891,668, C>T. VCF-style: chr6-131891668-C-T. GRCh37 (hg19) VCF-style: chr6-132212808-C-T.
Identifiers: ClinVar variation 355381 (VCV000355381.5), dbSNP rs7754859, ClinGen allele CA10622952.